The following continues an entry in ClinVar:

NM_000051.4(ATM):c.2614C>T (p.Pro872Ser)

Gene: ATM. ClinVar aggregate classification (germline): Benign. Benign (1).

Submissions 21 to 31 of 31:

Breakthrough Genomics
Classification: Benign. Review status: criteria provided, single submitter. Criteria: ACMG Guidelines, 2015. Collection method: not provided. Allele origin: germline. Inheritance: Autosomal recessive inheritance. Affected: yes. Not counted in ClinVar's aggregate classification.

Natera, Inc.
Classification: Benign for Ataxia-telangiectasia. Last evaluated: 2020-04-17. Review status: no assertion criteria provided. Collection method: clinical testing. Allele origin: germline. Not counted in ClinVar's aggregate classification.

True Health Diagnostics
Classification: Likely benign for Hereditary cancer-predisposing syndrome. Last evaluated: 2018-06-18. Review status: no assertion criteria provided. Collection method: clinical testing. Allele origin: germline. Not counted in ClinVar's aggregate classification.

ITMI
No classification provided. Condition: AllHighlyPenetrant. Last evaluated: 2013-09-19. Review status: no classification provided. Collection method: reference population. Allele origin: germline. Not counted in ClinVar's aggregate classification.
Comment: Please see associated publication for description of ethnicities

Clinical Genetics Laboratory, Department of Pathology, Netherlands Cancer Institute
Classification: Benign. Review status: no assertion criteria provided. Collection method: clinical testing. Allele origin: germline. Affected: yes. Study: VKGL Data-share Consensus. Not counted in ClinVar's aggregate classification.

Clinical Genetics, Academic Medical Center
Classification: Benign. Review status: no assertion criteria provided. Collection method: clinical testing. Allele origin: germline. Affected: yes. Study: VKGL Data-share Consensus. Not counted in ClinVar's aggregate classification.

Department of Pathology and Laboratory Medicine, Sinai Health System
Classification: Benign for Malignant tumor of breast. Review status: no assertion criteria provided. Collection method: clinical testing. Allele origin: unknown. Affected: yes. Study: The Canadian Open Genetics Repository (COGR). Not counted in ClinVar's aggregate classification.
Comment: The ATM p.Pro872Ser variant was identified in 10 of 1192 proband chromosomes (frequency: 0.008) from individuals or families with breast cancer, multiple myeloma and from breast cancer tumors and was not identified in 200 control chromosomes from healthy individuals (Austen 2008, Rodriguez 2002, Bretsky 2003). The variant was also identified in the following databases: dbSNP (ID: rs3218673) as â€šÃ„ÃºWith other alleleâ€šÃ„Ã¹, in ClinVar (classified as 5x benign and 1x likely benign), Clinvitae (classified as 5x benign and 1x conflicting interpretations of pathogenicity), and Cosmic (1x as neutral). The variant was not identified in the MutDB, LOVD 3.0, or ATM-LOVD databases. The variant was identified in control databases in 1212 of 277156 (32 homozygous) chromosomes at a frequency of 0.004 increasing the likelihood this could be a low frequency benign variant (Genome Aggregation Consortium Feb 27, 2017). The variant was identified in the following populations at a frequency greater than 1%: African in 1102 of 24020 chromosomes (freq: 0.046). The p.Pro872Ser residue is not conserved in mammals and four out of five computational analyses (PolyPhen-2, SIFT, AlignGVGD, BLOSUM, MutationTaster) do not suggest a high likelihood of impact to the protein; however, this information is not predictive enough to rule out pathogenicity. The variant occurs outside of the splicing consensus sequence and in silico or computational prediction software programs (SpliceSiteFinder, MaxEntScan, NNSPLICE, GeneSplicer, HumanSpliceFinder) do not predict a difference in splicing. In summary, based on the above information this variant meets our laboratory's criteria to be classified as benign.

Diagnostic Laboratory, Department of Genetics, University Medical Center Groningen
Classification: Benign. Review status: no assertion criteria provided. Collection method: clinical testing. Allele origin: germline. Affected: yes. Study: VKGL Data-share Consensus. Not counted in ClinVar's aggregate classification.

Genome Diagnostics Laboratory, University Medical Center Utrecht
Classification: Benign. Review status: no assertion criteria provided. Collection method: clinical testing. Allele origin: germline. Affected: yes. Study: VKGL Data-share Consensus. Not counted in ClinVar's aggregate classification.

Joint Genome Diagnostic Labs from Nijmegen and Maastricht, Radboudumc and MUMC+
Classification: Benign. Review status: no assertion criteria provided. Collection method: clinical testing. Allele origin: germline. Affected: yes. Study: VKGL Data-share Consensus. Not counted in ClinVar's aggregate classification.

Laboratory of Diagnostic Genome Analysis, Leiden University Medical Center (LUMC)
Classification: Likely benign. Review status: no assertion criteria provided. Collection method: clinical testing. Allele origin: germline. Affected: yes. Study: VKGL Data-share Consensus. Not counted in ClinVar's aggregate classification.

Literature cited by the submitters: PubMed 25085752 (cited by Myriad Genetics, Inc.); PubMed 18573109 (cited by Illumina Laboratory Services, Illumina); PubMed 11996792 (cited by Illumina Laboratory Services, Illumina); PubMed 24728327 (cited by ITMI).